The following is an entry in ClinVar:

NM_012179.4(FBXO7):c.1277C>T (p.Pro426Leu)

Gene: FBXO7 (F-box protein 7; plus strand). Cytogenetic location: 22q12.3.
Variant type: single nucleotide variant.
Coding change: c.1277C>T on transcript NM_012179.4 (MANE Select); coding-DNA position 1277, C replaced by T.
Protein change: p.Pro426Leu; replaces proline 426 with leucine.
Molecular consequence: missense variant.
Genome position (GRCh38, 1-based): chr22:32,498,238, C>T. VCF-style: chr22-32498238-C-T. GRCh37 (hg19) VCF-style: chr22-32894225-C-T.
Other names: c.1040C>T, p.Pro347Leu (NM_001033024.2); c.935C>T, p.Pro312Leu (NM_001257990.2); short protein forms P312L, P347L, P426L.
Identifiers: ClinVar variation 4280978 (VCV004280978.7).

ClinVar aggregate classification (germline): Uncertain significance (1 of 4 stars; one submission).

Submission:

CeGaT Center for Human Genetics Tuebingen
Classification: Uncertain significance. Last evaluated: 2025-09-01. Review status: criteria provided, single submitter. Criteria: CeGaT Center For Human Genetics Tuebingen Variant Classification Criteria Version 2. Collection method: clinical testing. Allele origin: germline. Affected: yes. Observed: 1 variant allele.
Comment: FBXO7: PM2